The following is an entry in ClinVar:

NM_004991.4(MECOM):c.2329A>T (p.Met777Leu)

Gene: MECOM (MDS1 and EVI1 complex locus; minus strand). Cytogenetic location: 3q26.2.
Variant type: single nucleotide variant.
Coding change: c.2329A>T on transcript NM_004991.4 (MANE Select); coding-DNA position 2329, A replaced by T.
Protein change: p.Met777Leu; replaces methionine 777 with leucine.
Molecular consequence: missense variant.
Genome position (GRCh38, 1-based): chr3:169,115,543, T>A on the plus strand (A>T on the coding strand, the complement: MECOM is on the minus strand). VCF-style: chr3-169115543-T-A. GRCh37 (hg19) VCF-style: chr3-168833331-T-A.
Other names: c.1960A>T, p.Met654Leu (NM_001105077.4); c.1765A>T, p.Met589Leu (NM_001105078.4, NM_001164000.2, NM_001205194.2 and 4 more transcripts); c.1768A>T, p.Met590Leu (NM_001163999.2, NM_001366467.2, NM_001366468.2 and 1 more transcripts); c.2329A>T, p.Met777Leu (NM_001366466.2); c.1357A>T, p.Met453Leu (NM_001366473.2); c.793A>T, p.Met265Leu (NM_001366474.2); short protein forms M265L, M777L, M453L, M589L, M590L, M654L.
Identifiers: ClinVar variation 3871829 (VCV003871829.1).

ClinVar aggregate classification (germline): Uncertain significance (1 of 4 stars; one submission).

Conditions:
Inborn genetic diseases. Identifiers: MedGen C0950123, MeSH D030342.

gnomAD v4.1: 3 of 1,614,138 alleles (0.00019%); highest among the groups gnomAD compares: Non-Finnish European, 0.00025%; no homozygotes.

Submission:

Ambry Genetics
Classification: Uncertain significance for Inborn genetic diseases. Last evaluated: 2025-02-14. Review status: criteria provided, single submitter. Criteria: Ambry Variant Classification Scheme 2023. Collection method: clinical testing. Allele origin: germline.
Comment: The p.M777L variant (also known as c.2329A>T), located in coding exon 8 of the MECOM gene, results from an A to T substitution at nucleotide position 2329. The methionine at codon 777 is replaced by leucine, an amino acid with highly similar properties. This amino acid position is conserved. In addition, this alteration is predicted to be tolerated by in silico analysis. Based on the available evidence, the clinical significance of this variant remains unclear.